The following is an entry in ClinVar:

NM_022772.4(EPS8L2):c.1917C>A (p.Ala639=)

Gene: EPS8L2 (EPS8 signaling adaptor L2; plus strand). Cytogenetic location: 11p15.5.
Variant type: single nucleotide variant.
Coding change: c.1917C>A on transcript NM_022772.4 (MANE Select); coding-DNA position 1917, C replaced by A.
Protein change: p.Ala639=; no amino-acid change (alanine 639 retained).
Molecular consequence: synonymous variant.
Genome position (GRCh38, 1-based): chr11:726,467, C>A. VCF-style: chr11-726467-C-A. GRCh37 (hg19) VCF-style: chr11-726467-C-A.
Other names: c.1917C>A (NM_022772.3).
Identifiers: ClinVar variation 2145006 (VCV002145006.6), dbSNP rs755698142, ClinGen allele CA5787824.

ClinVar aggregate classification (germline): Likely benign. Review status: criteria provided, single submitter (1 of 4 stars). 2 submissions from 2 submitters: Likely benign (1). 1 of the submissions does not count toward it. Last evaluated 2026-02-02.

Conditions:
EPS8L2-related disorder. Also called: EPS8L2-related condition.

Allele frequency attached by ClinVar (database versions not stated): gnomAD 0.00005; ExAC 0.00007; 1000 Genomes Project 30x 0.00016.
gnomAD v4.1: 47 of 1,568,936 alleles (0.003%); highest among the groups gnomAD compares: East Asian, 0.1%; no homozygotes.

Submissions (2):

Labcorp Genetics (formerly Invitae), Labcorp
Classification: Likely benign. Last evaluated: 2026-02-02. Review status: criteria provided, single submitter. Criteria: Invitae Variant Classification Sherloc (09022015). Collection method: clinical testing. Allele origin: germline.

PreventionGenetics, part of Exact Sciences
Classification: Likely benign for EPS8L2-related condition. Last evaluated: 2019-08-20. Review status: no assertion criteria provided. Collection method: clinical testing. Allele origin: germline. Not counted in ClinVar's aggregate classification.
Comment: This variant is classified as likely benign based on ACMG/AMP sequence variant interpretation guidelines (Richards et al. 2015 PMID: 25741868, with internal and published modifications).